The following is an entry in ClinVar:

NM_130839.5(UBE3A):c.1474T>C (p.Tyr492His)

Genes: SNHG14 (small nucleolar RNA host gene 14; plus strand), UBE3A (ubiquitin protein ligase E3A; minus strand). Cytogenetic location: 15q11.2.
Variant type: single nucleotide variant.
Coding change: c.1474T>C on transcript NM_130839.5 (MANE Select); coding-DNA position 1474, T replaced by C.
Protein change: p.Tyr492His; replaces tyrosine 492 with histidine.
Molecular consequence: missense variant. On other transcripts: non-coding transcript variant (1), intron variant (2).
Genome position (GRCh38, 1-based): chr15:25,370,700, A>G on the plus strand (T>C on the coding strand, the complement: UBE3A is on the minus strand). VCF-style: chr15-25370700-A-G. GRCh37 (hg19) VCF-style: chr15-25615847-A-G.
Other names: c.1474T>C, p.Tyr492His (NM_001354545.2, NM_001354538.2, NM_001354505.1); c.1297T>C, p.Tyr433His (NM_001354546.2); c.1414T>C, p.Tyr472His (NM_001354547.2, NM_001354548.2, NM_001354549.2 and 17 more transcripts); c.301+4765T>C (NM_001354551.2); c.1483T>C, p.Tyr495His (NM_000462.5); c.361+4765T>C (NM_001354550.2); short protein forms Y433H, Y472H, Y492H, Y495H.
Identifiers: ClinVar variation 1342754 (VCV001342754.2), dbSNP rs2152820213, ClinGen allele CA391353512.

ClinVar aggregate classification (germline): Uncertain significance (1 of 4 stars; one submission).

Submission:

GeneDx
Classification: Uncertain significance. Last evaluated: 2022-02-11. Review status: criteria provided, single submitter. Criteria: GeneDx Variant Classification Process June 2021. Collection method: clinical testing. Allele origin: germline. Affected: yes.
Comment: Not observed at significant frequency in large population cohorts (gnomAD); In silico analysis supports that this missense variant has a deleterious effect on protein structure/function; Has not been previously published as pathogenic or benign to our knowledge